The following is an entry in ClinVar:

ClinVar aggregate classification (germline): Uncertain significance (1 of 4 stars; one submission).

Submission:

GeneDx
Classification: Uncertain significance. Last evaluated: 2026-10-01. Review status: criteria provided, single submitter. Criteria: GeneDx Variant Classification Process June 2021. Collection method: clinical testing. Allele origin: germline.
Comment: Not observed at significant frequency in large population cohorts (gnomAD); In silico analysis suggests that this missense variant does not alter protein structure/function; Has not been previously published as pathogenic or benign to our knowledge

NM_153252.5(BRWD3):c.4446G>C (p.Gln1482His)

Gene: BRWD3 (bromodomain and WD repeat domain containing 3; minus strand). Cytogenetic location: Xq21.1.
Variant type: single nucleotide variant.
Coding change: c.4446G>C on transcript NM_153252.5 (MANE Select); coding-DNA position 4446, G replaced by C.
Protein change: p.Gln1482His; replaces glutamine 1482 with histidine.
Molecular consequence: missense variant.
Genome position (GRCh38, 1-based): chrX:80,682,046, C>G on the plus strand (G>C on the coding strand, the complement: BRWD3 is on the minus strand). VCF-style: chrX-80682046-C-G. GRCh37 (hg19) VCF-style: chrX-79937545-C-G.
Other names: short protein forms Q1482H.
Identifiers: ClinVar variation 3378348 (VCV003378348.2).
Genomic context (GRCh38, chrX:80,682,046, plus strand): 5'-GACATATTTACCAGGAGATGAGAAAGGAGAGCTAGTCCTGGCATGAGATACTGAGGTATT[C>G]TGGTCATTTTTAGGCTGCAACTTCATTTGTTTCTGCTTCCCTTTTGGACTAGAAGTAAAA-3'
Protein context (NP_694984.5, residues 1472-1492): KQMKLQPKND[Gln1482His]NTSVSHARTS